The following is an entry in ClinVar:

ClinVar aggregate classification (germline): Likely pathogenic. Review status: reviewed by expert panel (3 of 4 stars). 5 submissions from 5 submitters: Likely pathogenic (1). 4 of the submissions do not count toward it. Last evaluated 2025-12-05.

Conditions:
Factor VIII deficiency. Identifiers: MedGen C3494187, OMIM 134500.
Hereditary factor VIII deficiency disease (HEMA). Also called: HEMOPHILIA, CLASSIC; AUTOSOMAL HEMOPHILIA A; Hemophilia A; Hemophilia A, congenital; HEM A; Factor 8 deficiency, congenital. Identifiers: Orphanet 98878, MedGen C0019069, MONDO:0010602, OMIM 306700.

gnomAD v4.1: 2 of 1,211,077 alleles (0.00017%); highest among the groups gnomAD compares: Non-Finnish European, 0.00022%; no homozygotes.

Submissions (5):

ClinGen Coagulation Factor Deficiency Variant Curation Expert Panel, Clingen
Classification: Likely pathogenic for Hereditary factor VIII deficiency disease. Last evaluated: 2025-12-05. Review status: reviewed by expert panel. Criteria: ClinGen CoagFactor ACMG Specifications F8 V1.0.0. Collection method: curation. Allele origin: germline. Inheritance: X-linked inheritance.
Comment: The NM_000132.4(F8):c.409A>G (p.Thr137Ala) missense variant in F8 is absent from population databases (gnomAD v2.1.1/gnomAD v3; PM2_Supporting) and is predicted to have a deleterious effect (REVEL score of 0.907s; PP3), which is greater than the ClinGen CFD threshold for PP3 (>0.6). This variant has been observed at least three probands with mild to severe hemophilia A with type 2N von Willebrand disease ruled out (PMID:11554935; PMID:19719828; 1 case from internal laboratory data; total 3 points, PS4_Moderate). Another missense variant (c.410C>T, p.Thr137Ile, CAID:CA255063) in the same codon has been classified as pathogenic for hemophilia A by the ClinGen Coagulation Factor Deficiency VCEP (PM5) with agreement in splicing predictors show no splicing impact. In summary, this variant meets the criteria to be classified as a likely pathogenic for hemophilia A. ACMG/AMP criteria applied, as specified by the Coagulation Factor Deficiency Variant Curation Expert Panel (specifications version 1.0.0) for F8: PS4_Moderate, PM5, PM2_Supporting, PP3.

North West Genomic Laboratory Hub, Manchester University NHS Foundation Trust
Classification: Likely pathogenic for Factor VIII deficiency. Last evaluated: 2026-07-09. Review status: criteria provided, single submitter. Criteria: ACGS Best Practice Guidelines for Variant Classification in Rare Disease 2024. Collection method: clinical testing. Allele origin: germline. Affected: yes. Not counted in ClinVar's aggregate classification.
Comment: PS4_Mod PP3_Supp PP4_Mod PM2_Mod

GeneDx
Classification: Likely pathogenic. Last evaluated: 2025-07-14. Review status: criteria provided, single submitter. Criteria: GeneDx Variant Classification Process June 2021. Collection method: clinical testing. Allele origin: germline. Affected: yes. Not counted in ClinVar's aggregate classification.
Comment: Not observed at significant frequency in large population cohorts (gnomAD); In silico analysis supports that this missense variant has a deleterious effect on protein structure/function; This variant is associated with the following publications: (PMID: 19719828, 11554935, 19473423)

Women's Health and Genetics/Laboratory Corporation of America, LabCorp
Classification: Uncertain significance. Last evaluated: 2025-06-27. Review status: criteria provided, single submitter. Criteria: LabCorp Variant Classification Summary - May 2015. Collection method: clinical testing. Allele origin: germline. Not counted in ClinVar's aggregate classification.
Comment: Variant summary: F8 c.409A>G (p.Thr137Ala) results in a non-conservative amino acid change in the encoded protein sequence. Algorithms developed to predict the effect of missense changes on protein structure and function all suggest that this variant is likely to be disruptive. The variant was absent in 182499 control chromosomes (gnomAD). c.409A>G has been observed in individuals affected with Factor VIII Deficiency (Hemophilia A)(Timur_2001, Castaman_2009). These data indicate that the variant may be associated with disease. To our knowledge, no experimental evidence demonstrating an impact on protein function has been reported. The following publications have been ascertained in the context of this evaluation (PMID: 11554935, 19719828). ClinVar contains an entry for this variant (Variation ID: 3338831). Based on the evidence outlined above, the variant was classified as VUS-possibly pathogenic.

Mayo Clinic Laboratories, Mayo Clinic
Classification: Likely pathogenic. Last evaluated: 2024-04-16. Review status: criteria provided, single submitter. Criteria: ACMG Guidelines, 2015. Collection method: clinical testing. Allele origin: germline. Observed: 1 variant allele. Not counted in ClinVar's aggregate classification.
Comment: PP3, PM1_supporting, PM2_moderate, PM5, PS4_moderate

Literature cited by the submitters: PubMed 11554935 (cited by Women's Health and Genetics/Laboratory Corporation of America, LabCorp and Mayo Clinic Laboratories, Mayo Clinic); PubMed 19719828 (cited by Women's Health and Genetics/Laboratory Corporation of America, LabCorp and Mayo Clinic Laboratories, Mayo Clinic); PubMed 19473423 (cited by Mayo Clinic Laboratories, Mayo Clinic); PubMed 31267011 (cited by Mayo Clinic Laboratories, Mayo Clinic); PubMed 32166871 (cited by Mayo Clinic Laboratories, Mayo Clinic).

NM_000132.4(F8):c.409A>G (p.Thr137Ala)

Gene: F8 (coagulation factor VIII; minus strand). Cytogenetic location: Xq28.
Variant type: single nucleotide variant.
Coding change: c.409A>G on transcript NM_000132.4 (MANE Select); coding-DNA position 409, A replaced by G.
Protein change: p.Thr137Ala; replaces threonine 137 with alanine.
Molecular consequence: missense variant.
Genome position (GRCh38, 1-based): chrX:154,993,128, T>C on the plus strand (A>G on the coding strand, the complement: F8 is on the minus strand). VCF-style: chrX-154993128-T-C. GRCh37 (hg19) VCF-style: chrX-154221403-T-C.
Other names: p.Thr137Ala; NM_000132.4(F8):c.409A>G; short protein forms T137A.
Identifiers: ClinVar variation 3338831 (VCV003338831.5).